The following is an entry in ClinVar:

ClinVar aggregate classification (germline): Uncertain significance. Review status: criteria provided, multiple submitters, no conflicts (2 of 4 stars). 2 submissions from 2 submitters: Uncertain significance (2). Last evaluated 2025-11-24.

Conditions:
Inborn genetic diseases. Identifiers: MedGen C0950123, MeSH D030342.

Allele frequency attached by ClinVar (database versions not stated): gnomAD exomes below 0.00001 and 0.00001.
gnomAD v4.1: 7 of 1,609,462 alleles (0.00043%); highest among the groups gnomAD compares: African/African-American, 0.0013%; no homozygotes.

Submissions (2):

Ambry Genetics
Classification: Uncertain significance for Inborn genetic diseases. Last evaluated: 2025-11-24. Review status: criteria provided, single submitter. Criteria: Ambry Variant Classification Scheme 2023. Collection method: clinical testing. Allele origin: germline.

Labcorp Genetics (formerly Invitae), Labcorp
Classification: Uncertain significance. Last evaluated: 2021-10-12. Review status: criteria provided, single submitter. Criteria: Invitae Variant Classification Sherloc (09022015). Collection method: clinical testing. Allele origin: germline.
Comment: This sequence change replaces cysteine with tyrosine at codon 5 of the ADAMTS10 protein (p.Cys5Tyr). The cysteine residue is moderately conserved and there is a large physicochemical difference between cysteine and tyrosine. This variant is not present in population databases (ExAC no frequency). This variant has not been reported in the literature in individuals affected with ADAMTS10-related conditions. Algorithms developed to predict the effect of missense changes on protein structure and function output the following: SIFT: "Tolerated"; PolyPhen-2: "Benign"; Align-GVGD: "Class C0". The tyrosine amino acid residue is found in multiple mammalian species, which suggests that this missense change does not adversely affect protein function. In summary, the available evidence is currently insufficient to determine the role of this variant in disease. Therefore, it has been classified as a Variant of Uncertain Significance.

NM_030957.4(ADAMTS10):c.14G>A (p.Cys5Tyr)

Gene: ADAMTS10 (ADAM metallopeptidase with thrombospondin type 1 motif 10; minus strand). Cytogenetic location: 19p13.2.
Variant type: single nucleotide variant.
Coding change: c.14G>A on transcript NM_030957.4 (MANE Select); coding-DNA position 14, G replaced by A.
Protein change: p.Cys5Tyr; replaces cysteine 5 with tyrosine.
Molecular consequence: missense variant.
Genome position (GRCh38, 1-based): chr19:8,605,697, C>T on the plus strand (G>A on the coding strand, the complement: ADAMTS10 is on the minus strand). VCF-style: chr19-8605697-C-T. GRCh37 (hg19) VCF-style: chr19-8670582-C-T.
Other names: c.14G>A (NM_030957.2); short protein forms C5Y.
Identifiers: ClinVar variation 1446361 (VCV001446361.4), dbSNP rs968279698, ClinGen allele CA305002729.